The following is an entry in ClinVar:

ClinVar aggregate classification (germline): Likely benign. Review status: criteria provided, multiple submitters, no conflicts (2 of 4 stars). 4 submissions from 4 submitters: Likely benign (4). Last evaluated 2025-12-30.

Conditions:
Neonatal-onset encephalopathy with rigidity and seizures. Also called: Lethal neonatal spasticity-epileptic encephalopathy syndrome. Identifiers: Orphanet 435845, MedGen C3281029, MONDO:0013784, OMIM 614498.

Allele frequency attached by ClinVar (database versions not stated): gnomAD exomes 0.00002; ExAC 0.00003; TOPMed 0.00006.
gnomAD v4.1: 32 of 1,611,238 alleles (0.002%); highest among the groups gnomAD compares: Middle Eastern, 0.033%; no homozygotes.

Submissions (4):

Labcorp Genetics (formerly Invitae), Labcorp
Classification: Likely benign for Neonatal-onset encephalopathy with rigidity and seizures. Last evaluated: 2025-12-30. Review status: criteria provided, single submitter. Criteria: Invitae Variant Classification Sherloc (09022015). Collection method: clinical testing. Allele origin: germline.

CeGaT Center for Human Genetics Tuebingen
Classification: Likely benign. Last evaluated: 2025-09-01. Review status: criteria provided, single submitter. Criteria: CeGaT Center For Human Genetics Tuebingen Variant Classification Criteria Version 2. Collection method: clinical testing. Allele origin: germline. Affected: yes. Observed: 2 variant alleles.
Comment: BRAT1: BP4, BP7

Blueprint Genetics
Classification: Likely benign. Last evaluated: 2024-10-17. Review status: criteria provided, single submitter. Criteria: ACMG Guidelines, 2015. Collection method: clinical testing. Allele origin: germline.

GeneDx
Classification: Likely benign. Last evaluated: 2018-09-05. Review status: criteria provided, single submitter. Criteria: GeneDx Variant Classification Process June 2021. Collection method: clinical testing. Allele origin: germline. Affected: yes.

NM_152743.4(BRAT1):c.852G>A (p.Ala284=)

Gene: BRAT1 (BRCA1 associated ATM activator 1; minus strand). Cytogenetic location: 7p22.3.
Variant type: single nucleotide variant.
Coding change: c.852G>A on transcript NM_152743.4 (MANE Select); coding-DNA position 852, G replaced by A.
Protein change: p.Ala284=; no amino-acid change (alanine 284 retained).
Molecular consequence: synonymous variant. On other transcripts: non-coding transcript variant (1).
Genome position (GRCh38, 1-based): chr7:2,543,275, C>T on the plus strand (G>A on the coding strand, the complement: BRAT1 is on the minus strand). VCF-style: chr7-2543275-C-T. GRCh37 (hg19) VCF-style: chr7-2582909-C-T.
Other names: c.852G>A, p.Ala284= (NM_001350626.2); c.327G>A, p.Ala109= (NM_001350627.2).
Identifiers: ClinVar variation 774004 (VCV000774004.21), dbSNP rs767671540, ClinGen allele CA4128034.